The following is an entry in ClinVar:

NM_000213.5(ITGB4):c.4012C>T (p.Gln1338Ter)

Genes: GALK1 (galactokinase 1; minus strand), ITGB4 (integrin subunit beta 4; plus strand). Cytogenetic location: 17q25.1.
Variant type: single nucleotide variant.
Coding change: c.4012C>T on transcript NM_000213.5 (MANE Select); coding-DNA position 4012, C replaced by T.
Protein change: p.Gln1338Ter; replaces glutamine 1338 with a stop codon.
Molecular consequence: nonsense. On other transcripts: intron variant (1).
Genome position (GRCh38, 1-based): chr17:75,752,481, C>T. VCF-style: chr17-75752481-C-T. GRCh37 (hg19) VCF-style: chr17-73748562-C-T.
Other names: c.4012C>T, p.Gln1338Ter (NM_001005619.2, NM_001005731.3, NM_001321123.2 and 1 more transcripts); c.*23-744G>A (NM_001381985.1); short protein forms Q1338*.
Identifiers: ClinVar variation 2816304 (VCV002816304.3), dbSNP rs2545850576, ClinGen allele CA401080654.
Genomic context (GRCh38, chr17:75,752,481, plus strand): 5'-CCTGGCTCACTCCCCTGCCCTGCAGTCCCCATCATCCCTGACATCCCTATCGTGGACGCC[C>T]AGAGCGGGGAGGACTACGACAGCTTCCTTATGTACAGCGATGACGTTCTACGCTCTCCAT-3'

ClinVar aggregate classification (germline): Pathogenic (1 of 4 stars; one submission).

Submission:

Labcorp Genetics (formerly Invitae), Labcorp
Classification: Pathogenic. Last evaluated: 2023-09-30. Review status: criteria provided, single submitter. Criteria: Invitae Variant Classification Sherloc (09022015). Collection method: clinical testing. Allele origin: germline.
Comment: This sequence change creates a premature translational stop signal (p.Gln1338*) in the ITGB4 gene. It is expected to result in an absent or disrupted protein product. Loss-of-function variants in ITGB4 are known to be pathogenic (PMID: 11328943, 16473856). This variant is not present in population databases (gnomAD no frequency). This variant has not been reported in the literature in individuals affected with ITGB4-related conditions. For these reasons, this variant has been classified as Pathogenic.

Literature cited by the submitters: PubMed 11328943; PubMed 16473856.